The following is an entry in ClinVar:

ClinVar aggregate classification (germline): Uncertain significance (1 of 4 stars; one submission).

Conditions:
Cardiovascular phenotype. Identifiers: MedGen CN230736.

gnomAD v4.1: 1 of 1,614,148 alleles (0.000062%); highest among the groups gnomAD compares: Non-Finnish European, 0.000085%; no homozygotes.

Submission:

Ambry Genetics
Classification: Uncertain significance for Cardiovascular phenotype. Last evaluated: 2025-02-10. Review status: criteria provided, single submitter. Criteria: Ambry Variant Classification Scheme 2023. Collection method: clinical testing. Allele origin: germline.
Comment: The p.V2068F variant (also known as c.6202G>T), located in coding exon 38 of the ANK2 gene, results from a G to T substitution at nucleotide position 6202. The valine at codon 2068 is replaced by phenylalanine, an amino acid with highly similar properties. This amino acid position is conserved. In addition, this alteration is predicted to be tolerated by in silico analysis. Based on the available evidence, the clinical significance of this variant remains unclear.

NM_001148.6(ANK2):c.6202G>T (p.Val2068Phe)

Genes: ANK2 (ankyrin 2; plus strand), LOC126807136 (MED14-independent group 3 enhancer GRCh37_chr4:114274931-114276130; plus strand). Cytogenetic location: 4q26.
Variant type: single nucleotide variant.
Coding change: c.6202G>T on transcript NM_001148.6 (MANE Select); coding-DNA position 6202, G replaced by T.
Protein change: p.Val2068Phe; replaces valine 2068 with phenylalanine.
Molecular consequence: missense variant. On other transcripts: intron variant (68).
Genome position (GRCh38, 1-based): chr4:113,354,820, G>T. VCF-style: chr4-113354820-G-T. GRCh37 (hg19) VCF-style: chr4-114275976-G-T.
Other names: c.5968G>T, p.Val1990Phe (NM_001386142.1); c.2602G>T, p.Val868Phe (NM_001386166.1); c.6343G>T, p.Val2115Phe (NM_001386174.1); c.6319G>T, p.Val2107Phe (NM_001386175.1); c.4411+4571G>T (NM_001386186.2, NM_001386148.2); c.4213+4571G>T (NM_001354269.3); c.4291+4571G>T (NM_001386187.2); c.4252+4571G>T (NM_001386147.1); and 35 more; short protein forms V2068F, V2107F, V2115F, V868F, V1990F.
Identifiers: ClinVar variation 3864249 (VCV003864249.1).